The following is an entry in ClinVar:

ClinVar aggregate classification (germline): Benign/Likely benign. Review status: criteria provided, multiple submitters, no conflicts (2 of 4 stars). 12 submissions from 12 submitters: Benign (1); Likely benign (9). 2 of the submissions do not count toward it. Last evaluated 2026-01-21.

Conditions:
ATM-related disorder. Also called: ATM-related disorders; ATM-related condition.
Hereditary cancer-predisposing syndrome. Also called: Tumor predisposition; Neoplastic Syndromes, Hereditary; Hereditary Cancer Syndrome; Hereditary neoplastic syndrome. Identifiers: Orphanet 140162, MedGen C0027672, MeSH D009386, MONDO:0015356.
Ataxia-telangiectasia syndrome (AT). Also called: Ataxia-telangiectasia; Cerebello-oculocutaneous telangiectasia; Immunodeficiency with ataxia telangiectasia; ATAXIA-TELANGIECTASIA, COMPLEMENTATION GROUP A; ATAXIA-TELANGIECTASIA, FRESNO VARIANT; Ataxia-telangiectasia, complementation group D. Identifiers: Orphanet 100, MedGen C0004135, MONDO:0008840, OMIM 208900.
Familial cancer of breast. Also called: Hereditary breast cancer; BREAST CANCER, FAMILIAL; hereditary breast carcinoma. Identifiers: Orphanet 227535, MedGen C0346153, MONDO:0016419, OMIM 114480. Disease mechanism: loss of function.

Allele frequency attached by ClinVar (database versions not stated): gnomAD 0.00001; gnomAD exomes 0.00001; TOPMed 0.00005.
gnomAD v4.1: 6 of 1,613,916 alleles (0.00037%); highest among the groups gnomAD compares: African/African-American, 0.0067%; no homozygotes.

Submissions (12):

Labcorp Genetics (formerly Invitae), Labcorp
Classification: Likely benign for Ataxia-telangiectasia syndrome. Last evaluated: 2026-01-21. Review status: criteria provided, single submitter. Criteria: Invitae Variant Classification Sherloc (09022015). Collection method: clinical testing. Allele origin: germline.

Mayo Clinic Laboratories, Mayo Clinic
Classification: Likely benign. Last evaluated: 2025-01-13. Review status: criteria provided, single submitter. Criteria: ACMG Guidelines, 2015. Collection method: clinical testing. Allele origin: germline. Observed: 1 variant allele.
Comment: BP4, BP7

Hereditary Cancer Laboratory, Hospital Universitario 12 de Octubre
Classification: Likely benign for Hereditary cancer-predisposing syndrome. Last evaluated: 2024-08-11. Review status: criteria provided, single submitter. Criteria: ACMG Guidelines, 2015. Collection method: clinical testing. Allele origin: germline.
Comment: PM2+BP4+BP6+BP7

Myriad Genetics, Inc.
Classification: Benign for Familial cancer of breast. Last evaluated: 2024-05-23. Review status: criteria provided, single submitter. Criteria: Myriad Autosomal Dominant, Autosomal Recessive and X-Linked Classification Criteria (2023). Collection method: clinical testing. Allele origin: unknown.
Comment: This variant is considered benign. This variant is a silent/synonymous amino acid change and it is not expected to impact splicing.

Women's Health and Genetics/Laboratory Corporation of America, LabCorp
Classification: Likely benign. Last evaluated: 2024-04-15. Review status: criteria provided, single submitter. Criteria: LabCorp Variant Classification Summary - May 2015. Collection method: clinical testing. Allele origin: germline.

Sema4
Classification: Likely benign for Hereditary cancer-predisposing syndrome. Last evaluated: 2021-06-25. Review status: criteria provided, single submitter. Criteria: Sema4 Curation Guidelines. Collection method: curation. Allele origin: germline.

Mendelics
Classification: Likely benign for Ataxia-telangiectasia syndrome. Last evaluated: 2019-05-28. Review status: criteria provided, single submitter. Criteria: Mendelics Assertion Criteria 2017. Collection method: clinical testing. Allele origin: unknown.

GeneDx
Classification: Likely benign. Last evaluated: 2017-06-13. Review status: criteria provided, single submitter. Criteria: GeneDx Variant Classification (06012015). Collection method: clinical testing. Allele origin: germline. Affected: yes.
Comment: This variant is considered likely benign or benign based on one or more of the following criteria: it is a conservative change, it occurs at a poorly conserved position in the protein, it is predicted to be benign by multiple in silico algorithms, and/or has population frequency not consistent with disease.

Color Diagnostics, LLC DBA Color Health
Classification: Likely benign for Hereditary cancer-predisposing syndrome. Last evaluated: 2017-04-26. Review status: criteria provided, single submitter. Criteria: ACMG Guidelines, 2015. Collection method: clinical testing. Allele origin: germline.

Ambry Genetics
Classification: Likely benign for Hereditary cancer-predisposing syndrome. Last evaluated: 2016-06-21. Review status: criteria provided, single submitter. Criteria: Ambry Variant Classification Scheme 2023. Collection method: clinical testing. Allele origin: germline.

PreventionGenetics, part of Exact Sciences
Classification: Likely benign for ATM-related condition. Last evaluated: 2020-03-19. Review status: no assertion criteria provided. Collection method: clinical testing. Allele origin: germline. Not counted in ClinVar's aggregate classification.
Comment: This variant is classified as likely benign based on ACMG/AMP sequence variant interpretation guidelines (Richards et al. 2015 PMID: 25741868, with internal and published modifications).

Department of Pathology and Laboratory Medicine, Sinai Health System
Classification: Likely benign. Review status: no assertion criteria provided. Collection method: clinical testing. Allele origin: unknown. Affected: yes. Study: The Canadian Open Genetics Repository (COGR). Not counted in ClinVar's aggregate classification.
Comment: The ATM p.Pro1886= variant was not identified in the literature nor was it identified in the LOVD 3.0 database. The variant was identified in dbSNP (ID: rs940182945) as â€šÃ„ÃºWith Likely benign alleleâ€šÃ„Ã¹ and ClinVar (classified as likely benign by Invitae, Ambry Genetics, Color and GeneDx). The variant was identified in control databases in 2 of 245570 chromosomes at a frequency of 0.000008 (Genome Aggregation Database Feb 27, 2017). The variant was observed in the African population in 2 of 15268 chromosomes (freq: 0.0001), while not observed in the Other, Latino, European Non-Finnish, Ashkenazi Jewish, East Asian, European Finnish, or South Asian populations. The p.Pro1886= variant is not expected to have clinical significance because it does not result in a change of amino acid and is not located in a known consensus splice site. In addition, in silico or computational prediction software programs (SpliceSiteFinder, MaxEntScan, NNSPLICE, GeneSplicer) do not predict a difference in splicing. In summary, based on the above information, the clinical significance of this variant cannot be determined with certainty at this time although we would lean towards a more benign role for this variant. This variant is classified as likely benign.

NM_000051.4(ATM):c.5658T>C (p.Pro1886=)

Gene: ATM (ATM serine/threonine kinase; plus strand). Cytogenetic location: 11q22.3.
Variant type: single nucleotide variant.
Coding change: c.5658T>C on transcript NM_000051.4 (MANE Select); coding-DNA position 5658, T replaced by C.
Protein change: p.Pro1886=; no amino-acid change (proline 1886 retained).
Molecular consequence: synonymous variant.
Genome position (GRCh38, 1-based): chr11:108,304,836, T>C. VCF-style: chr11-108304836-T-C. GRCh37 (hg19) VCF-style: chr11-108175563-T-C.
Other names: p.Pro1886=; c.5658T>C, p.Pro1886= (NM_001351834.2).
Identifiers: ClinVar variation 414598 (VCV000414598.28), dbSNP rs940182945, ClinGen allele CA16613077.
Genomic context (GRCh38, chr11:108,304,836, plus strand): 5'-TCAGGGATTTTTCACCAGCTGTCTTCGACACTTCTCGCAAACGAGCCGATCCACAACCCC[T>C]GCAAACTTGGATTCAGGTATTCTATTAAATTTTTAACATTAATACTGTAAACTCAGTTCT-3'
Protein context (NP_000042.3, residues 1876-1896): HFSQTSRSTT[Pro1886=]ANLDSESEHF